The following is an entry in ClinVar:

NM_001365276.2(TNXB):c.4213C>T (p.Gln1405Ter)

Gene: TNXB (tenascin XB; minus strand). Cytogenetic location: 6p21.33.
Variant type: single nucleotide variant.
Coding change: c.4213C>T on transcript NM_001365276.2 (MANE Select); coding-DNA position 4213, C replaced by T.
Protein change: p.Gln1405Ter; replaces glutamine 1405 with a stop codon.
Molecular consequence: nonsense.
Genome position (GRCh38, 1-based): chr6:32,079,195, G>A on the plus strand (C>T on the coding strand, the complement: TNXB is on the minus strand). VCF-style: chr6-32079195-G-A. GRCh37 (hg19) VCF-style: chr6-32046972-G-A.
Other names: c.4954C>T, p.Gln1652Ter (NM_001428335.1); c.4213C>T, p.Gln1405Ter (NM_019105.8); short protein forms Q1405*, Q1652*.
Identifiers: ClinVar variation 3356235 (VCV003356235.2).
Genomic context (GRCh38, chr6:32,079,195, plus strand): 5'-CCTCACTCTCCTTGCCCCCAACACGCACCGCCCGGGGCCGCCCATCCCTGTCCTTGTACT[G>A]CACGGTGAAAGAGTCGAAGCTGCCCTGGGGGACGGTCCAGAAGAGGCTCAGCGAATCAGG-3'

ClinVar aggregate classification (germline): Pathogenic. Review status: criteria provided, single submitter (1 of 4 stars). 2 submissions from 2 submitters: Pathogenic (1). 1 of the submissions does not count toward it. Last evaluated 2024-07-23.

Conditions:
Ehlers-Danlos syndrome due to tenascin-X deficiency (EDSCLL1). Also called: EDS DUE TO TNX DEFICIENCY; TNX DEFICIENCY; EHLERS-DANLOS SYNDROME, CLASSIC-LIKE; Ehlers-Danlos syndrome, classic-like, 1; TNXB-Related Classical-Like Ehlers-Danlos Syndrome. Identifiers: Orphanet 230839, MedGen C1848029, MONDO:0011670, OMIM 606408.
TNXB-related disorder. Also called: TNXB-related condition.

Submissions (2):

Myriad Genetics, Inc.
Classification: Pathogenic for Ehlers-Danlos syndrome due to tenascin-X deficiency. Last evaluated: 2024-07-23. Review status: criteria provided, single submitter. Criteria: Myriad Autosomal Dominant, Autosomal Recessive and X-Linked Classification Criteria (2023). Collection method: clinical testing. Allele origin: unknown.
Comment: NM_019105.6(TNXB):c.4213C>T(Q1405*) is expected to be pathogenic in the context of classical-like Ehlers-Danlos syndrome, TNXB-related. This variant is predicted to lead to an abnormal or absent protein product due to the creation of a premature termination codon in TNXB, a gene where loss-of-function variants are known to be pathogenic. Please note: this variant was assessed in the context of healthy population screening.

PreventionGenetics, part of Exact Sciences
Classification: Pathogenic for TNXB-related condition. Last evaluated: 2024-03-27. Review status: no assertion criteria provided. Collection method: clinical testing. Allele origin: germline. Not counted in ClinVar's aggregate classification.
Comment: The TNXB c.4213C>T variant is predicted to result in premature protein termination (p.Gln1405*). To our knowledge, this variant has not been reported in the literature or in a large population database, indicating this variant is rare. Nonsense variants in TNXB are expected to be pathogenic. This variant is interpreted as pathogenic.